The following is an entry in ClinVar:

NM_000019.4(ACAT1):c.248AAG[2] (p.Glu85del)

Gene: ACAT1 (acetyl-CoA acetyltransferase 1; plus strand). Cytogenetic location: 11q22.3.
Variant type: Microsatellite.
Coding change: c.248AAG[2] on transcript NM_000019.4 (MANE Select); two copies in a row of the 3-base unit AAG starting at c.248; the reference has three copies in a row; one copy, 3 bases deleted.
Protein change: p.Glu85del; deletes glutamic acid 85.
Molecular consequence: inframe deletion. On other transcripts: 5 prime UTR variant (10), non-coding transcript variant (2), intron variant (1).
Genome position (GRCh38, 1-based): chr11:108,134,236-108,134,238, AAG deleted; deleting any 3 consecutive bases within chr11:108,134,230-108,134,238 gives the same sequence; the position shown is the placement nearest the transcript's 3' end. VCF-style (leftmost placement, unchanged base first): chr11-108134229-AAAG-A. GRCh37 (hg19) VCF-style: chr11-108004956-AAAG-A.
Other names: c.248AAG[2], p.Glu85del (NM_001386677.1); c.-30AAG[2] (NM_001386679.1); c.-23AAG[2] (NM_001386681.1, NM_001386682.1, NM_001386685.1 and 6 more transcripts); c.120+2276AAG[2] (NM_001386678.1); c.254_256delAAG (NM_000019.3); short protein forms E85del.
Identifiers: ClinVar variation 666470 (VCV000666470.13), dbSNP rs866364527, ClinGen allele CA228399187.
Genomic context (GRCh38, chr11:108,134,229, plus strand): 5'-GATTATTAAATTGAATTAAATGCCTTTTTGACTTTTTTTTTTTTTAATAAAGGGATTCCA[AAAG>A]AAGAAGTGAAAGAAGCATACATGGGTAATGTTCTACAAGGAGGTGAAGGACAAGCTCCTA-3'

ClinVar aggregate classification (germline): Conflicting classifications of pathogenicity. Review status: criteria provided, conflicting classifications (1 of 4 stars). 5 submissions from 5 submitters: Likely pathogenic (4); Uncertain significance (1). Last evaluated 2025-04-14.

Conditions:
Deficiency of acetyl-CoA acetyltransferase. Also called: MITOCHONDRIAL ACETOACETYL-CoA THIOLASE DEFICIENCY; Beta-ketothiolase deficiency; 3-KETOTHIOLASE DEFICIENCY; 3-OXOTHIOLASE DEFICIENCY. Identifiers: Orphanet 134, MedGen C1536500, MONDO:0008760, OMIM 203750. Disease mechanism: loss of function.

Submissions (5):

Natera, Inc.
Classification: Likely pathogenic for Alpha-methylacetoacetic aciduria. Last evaluated: 2025-04-14. Review status: criteria provided, single submitter. Criteria: Natera Variant Classification Schema (03/2026). Collection method: clinical testing. Allele origin: germline.
Comment: The c.254_256delAAG variant in ACAT1 is an in-frame deletion predicted to remove glutamic acid at amino acid 85 while preserving the reading frame. This variant is rare in the general population with a frequency below the threshold expected for the associated phenotype(s). This variant has been observed in one or more individuals affected with the associated recessive disease, as either homozygous or compound heterozygous with a second variant (PMID: 27928777, 7749408). This variant results in a change to the protein length while preserving reading frame, which may disrupt normal protein structure or function. Computational prediction algorithms indicate this variant is likely to affect gene or protein function. Given the available evidence, this variant is classified as Likely Pathogenic.

Fulgent Genetics
Classification: Likely pathogenic for Deficiency of acetyl-CoA acetyltransferase. Last evaluated: 2024-02-26. Review status: criteria provided, single submitter. Criteria: ACMG Guidelines, 2015. Collection method: clinical testing. Allele origin: germline.

Labcorp Genetics (formerly Invitae), Labcorp
Classification: Uncertain significance for Deficiency of acetyl-CoA acetyltransferase. Last evaluated: 2022-02-18. Review status: criteria provided, single submitter. Criteria: Invitae Variant Classification Sherloc (09022015). Collection method: clinical testing. Allele origin: germline.
Comment: This variant, c.254_256del, results in the deletion of 1 amino acid(s) of the ACAT1 protein (p.Glu85del), but otherwise preserves the integrity of the reading frame. This variant is present in population databases (no rsID available, gnomAD 0.0009%). This variant has been observed in individuals with beta-ketothiolase deficiency (PMID: 7749408, 27928777). This variant is also known as c.253_255del, c.248_250del. ClinVar contains an entry for this variant (Variation ID: 666470). Algorithms developed to predict the effect of variants on protein structure and function are not available or were not evaluated for this variant. Experimental studies have shown that this variant affects ACAT1 function (PMID: 7749408). In summary, the available evidence is currently insufficient to determine the role of this variant in disease. Therefore, it has been classified as a Variant of Uncertain Significance.

Revvity Omics, Revvity
Classification: Likely pathogenic for Deficiency of acetyl-CoA acetyltransferase. Last evaluated: 2019-12-28. Review status: criteria provided, single submitter. Criteria: ACMG Guidelines, 2015. Collection method: clinical testing. Allele origin: germline.

Department of Pediatrics, Gifu University
Classification: Likely pathogenic for Deficiency of acetyl-CoA acetyltransferase. Last evaluated: 2019-05-05. Review status: criteria provided, single submitter. Criteria: ACMG Guidelines, 2015. Collection method: research. Allele origin: germline. Affected: yes. Observed: 2 variant alleles.

Literature cited by the submitters: PubMed 27928777 (cited by Natera, Inc. and Labcorp Genetics (formerly Invitae), Labcorp); PubMed 7749408 (cited by Natera, Inc. and Labcorp Genetics (formerly Invitae), Labcorp); PubMed 31268215 (cited by Department of Pediatrics, Gifu University); PubMed 11914035 (cited by Department of Pediatrics, Gifu University).